The following is an entry in ClinVar:

ClinVar aggregate classification (germline): Uncertain significance (1 of 4 stars; one submission).

Conditions:
Familial cylindromatosis. Also called: ANCELL-SPIEGLER CYLINDROMAS; Turban tumor syndrome. Identifiers: Orphanet 211, Orphanet 79493, MedGen C1851526, MONDO:0007565, OMIM 132700.

Submission:

Genomic Diagnostic Laboratory, Division of Genomic Diagnostics, Children's Hospital of Philadelphia
Classification: Uncertain significance for Cylindromatosis, familial. Last evaluated: 2016-09-23. Review status: criteria provided, single submitter. Criteria: DGD Variant Analysis Guidelines. Collection method: clinical testing. Allele origin: germline. Affected: yes. Observed: 1 variant allele.
Comment: Clinical Testing

NM_001378743.1(CYLD):c.1684+3A>C

Gene: CYLD (CYLD lysine 63 deubiquitinase; plus strand). Cytogenetic location: 16q12.1.
Variant type: single nucleotide variant.
Coding change: c.1684+3A>C on transcript NM_001378743.1 (MANE Select); 3 bases into the intron after coding-DNA position 1684, A replaced by C.
Molecular consequence: intron variant.
Genome position (GRCh38, 1-based): chr16:50,781,414, A>C. VCF-style: chr16-50781414-A-C. GRCh37 (hg19) VCF-style: chr16-50815325-A-C.
Other names: c.1684+3A>C (NM_015247.3); c.1675+3A>C (NM_001378745.1, NM_001378744.1, NM_001042355.2 and 6 more transcripts); c.1645+3A>C (NM_001378753.1, NM_001378751.1, NM_001378752.1); c.1009+3A>C (NM_001378754.1, NM_001378755.1).
Identifiers: ClinVar variation 267239 (VCV000267239.1), dbSNP rs886040878, ClinGen allele CA10590076.